The following is an entry in ClinVar:

NC_000004.11:g.(?_15987363)_(15989359_?)dup

Gene: PROM1 (prominin 1; minus strand). Cytogenetic location: 4p15.32.
Variant type: Duplication.
Identifiers: ClinVar variation 2425463 (VCV002425463.3).

ClinVar aggregate classification (germline): Uncertain significance (1 of 4 stars; one submission).

Submission:

Labcorp Genetics (formerly Invitae), Labcorp
Classification: Uncertain significance. Last evaluated: 2022-10-04. Review status: criteria provided, single submitter. Criteria: Invitae Variant Classification Sherloc (09022015). Collection method: clinical testing. Allele origin: germline.
Comment: This variant results in a copy number gain of the genomic region encompassing exon(s) 19-21 of the PROM1 gene. While the exact position of this variant cannot be determined from the data, sub-genic copy number gains are generally in tandem (PMID: 25640679). This variant is predicted to be in-frame, and likely preserves the integrity of the reading frame. This variant has not been reported in the literature in individuals affected with PROM1-related conditions. Experimental studies and prediction algorithms are not available or were not evaluated, and the functional significance of this variant is currently unknown. In summary, the available evidence is currently insufficient to determine the role of this variant in disease. Therefore, it has been classified as a Variant of Uncertain Significance.

Literature cited by the submitters: PubMed 25640679.